The following is an entry in ClinVar:

ClinVar aggregate classification (germline): Uncertain significance. Review status: criteria provided, multiple submitters, no conflicts (2 of 4 stars). 2 submissions from 2 submitters: Uncertain significance (2). Last evaluated 2023-10-05.

Conditions:
Inborn genetic diseases. Identifiers: MedGen C0950123, MeSH D030342.

Allele frequency attached by ClinVar (database versions not stated): gnomAD 0.00001; TOPMed 0.00001.

Submissions (2):

Ambry Genetics
Classification: Uncertain significance for Inborn genetic diseases. Last evaluated: 2023-10-05. Review status: criteria provided, single submitter. Criteria: Ambry Variant Classification Scheme 2023. Collection method: clinical testing. Allele origin: germline.

Laboratory for Molecular Medicine, Mass General Brigham Personalized Medicine
Classification: Uncertain significance. Last evaluated: 2018-04-17. Review status: criteria provided, single submitter. Criteria: LMM Criteria. Collection method: clinical testing. Allele origin: germline. Inheritance: Autosomal dominant inheritance. Observed: 2 variant alleles.
Comment: The p.Gly2020Arg variant in MYH14 has not been previously reported in individual s with hearing loss. Data from large population studies is insufficient to asses s the frequency of this variant. Computational prediction tools and conservation analysis do not provide strong support for or against an impact to the protein. In summary, the clinical significance of the p.Gly2020Arg variant is uncertain. ACMG/AMP Criteria applied: none applicable.

NM_001145809.2(MYH14):c.6058G>A (p.Gly2020Arg)

Gene: MYH14 (myosin heavy chain 14; plus strand). Cytogenetic location: 19q13.33.
Variant type: single nucleotide variant.
Coding change: c.6058G>A on transcript NM_001145809.2 (MANE Select); coding-DNA position 6058, G replaced by A.
Protein change: p.Gly2020Arg; replaces glycine 2020 with arginine.
Molecular consequence: missense variant.
Genome position (GRCh38, 1-based): chr19:50,309,737, G>A. VCF-style: chr19-50309737-G-A. GRCh37 (hg19) VCF-style: chr19-50812994-G-A.
Other names: c.5959G>A, p.Gly1987Arg (NM_001077186.2); c.5935G>A, p.Gly1979Arg (NM_024729.4); c.5935G>A (NM_024729.3); short protein forms G1979R, G1987R, G2020R.
Identifiers: ClinVar variation 666608 (VCV000666608.5), dbSNP rs1006372999, ClinGen allele CA309598177.